The following is an entry in ClinVar:

ClinVar aggregate classification (germline): Uncertain significance (1 of 4 stars; one submission).

Allele frequency attached by ClinVar (database versions not stated): gnomAD exomes below 0.00001; ExAC 0.00001; gnomAD 0.00001.
gnomAD v4.1: 8 of 1,614,112 alleles (0.0005%); highest among the groups gnomAD compares: Non-Finnish European, 0.00068%; no homozygotes.

Submission:

Labcorp Genetics (formerly Invitae), Labcorp
Classification: Uncertain significance. Last evaluated: 2023-10-11. Review status: criteria provided, single submitter. Criteria: Invitae Variant Classification Sherloc (09022015). Collection method: clinical testing. Allele origin: germline.
Comment: This sequence change replaces aspartic acid, which is acidic and polar, with glycine, which is neutral and non-polar, at codon 1912 of the MYH3 protein (p.Asp1912Gly). This variant is present in population databases (rs771220671, gnomAD 0.004%). This variant has not been reported in the literature in individuals affected with MYH3-related conditions. ClinVar contains an entry for this variant (Variation ID: 2174283). Advanced modeling of protein sequence and biophysical properties (such as structural, functional, and spatial information, amino acid conservation, physicochemical variation, residue mobility, and thermodynamic stability) performed at Invitae indicates that this missense variant is not expected to disrupt MYH3 protein function. In summary, the available evidence is currently insufficient to determine the role of this variant in disease. Therefore, it has been classified as a Variant of Uncertain Significance.

NM_002470.4(MYH3):c.5735A>G (p.Asp1912Gly)

Gene: MYH3 (myosin heavy chain 3; minus strand). Cytogenetic location: 17p13.1.
Variant type: single nucleotide variant.
Coding change: c.5735A>G on transcript NM_002470.4 (MANE Select); coding-DNA position 5735, A replaced by G.
Protein change: p.Asp1912Gly; replaces aspartic acid 1912 with glycine.
Molecular consequence: missense variant.
Genome position (GRCh38, 1-based): chr17:10,629,658, T>C on the plus strand (A>G on the coding strand, the complement: MYH3 is on the minus strand). VCF-style: chr17-10629658-T-C. GRCh37 (hg19) VCF-style: chr17-10532975-T-C.
Other names: short protein forms D1912G.
Identifiers: ClinVar variation 2174283 (VCV002174283.4), dbSNP rs771220671, ClinGen allele CA8391815.